The following is an entry in ClinVar:

NM_001003787.4(STRADA):c.582G>C (p.Arg194Ser)

Gene: STRADA (STE20 related adaptor alpha; minus strand). Cytogenetic location: 17q23.3.
Variant type: single nucleotide variant.
Coding change: c.582G>C on transcript NM_001003787.4 (MANE Select); coding-DNA position 582, G replaced by C.
Protein change: p.Arg194Ser; replaces arginine 194 with serine.
Molecular consequence: missense variant.
Genome position (GRCh38, 1-based): chr17:63,707,418, C>G on the plus strand (G>C on the coding strand, the complement: STRADA is on the minus strand). VCF-style: chr17-63707418-C-G. GRCh37 (hg19) VCF-style: chr17-61784778-C-G.
Other names: c.471G>C, p.Arg157Ser (NM_001003786.3, NM_001363789.1, NM_153335.6); c.408G>C, p.Arg136Ser (NM_001003788.3, NM_001363790.1, NM_001363791.1); c.495G>C, p.Arg165Ser (NM_001165969.2, NM_001363787.1); c.450G>C, p.Arg150Ser (NM_001165970.2); c.558G>C, p.Arg186Ser (NM_001363786.1); c.582G>C, p.Arg194Ser (NM_001363788.1); short protein forms R136S, R150S, R157S, R165S, R186S, R194S.
Identifiers: ClinVar variation 1063237 (VCV001063237.6), dbSNP rs2036173117, ClinGen allele CA400591789.

ClinVar aggregate classification (germline): Uncertain significance (1 of 4 stars; one submission).

Conditions:
Polyhydramnios, megalencephaly, and symptomatic epilepsy (PMSE). Also called: PMSE SYNDROME. Identifiers: Orphanet 500533, MedGen C1970203, MONDO:0012611, OMIM 611087.

Submission:

Labcorp Genetics (formerly Invitae), Labcorp
Classification: Uncertain significance for Polyhydramnios, megalencephaly, and symptomatic epilepsy. Last evaluated: 2021-09-02. Review status: criteria provided, single submitter. Criteria: Invitae Variant Classification Sherloc (09022015). Collection method: clinical testing. Allele origin: germline.
Comment: This sequence change replaces arginine with serine at codon 194 of the STRADA protein (p.Arg194Ser). The arginine residue is highly conserved and there is a moderate physicochemical difference between arginine and serine. This variant is not present in population databases (ExAC no frequency). This variant has not been reported in the literature in individuals affected with STRADA-related conditions. Algorithms developed to predict the effect of missense changes on protein structure and function are either unavailable or do not agree on the potential impact of this missense change (SIFT: "Tolerated"; PolyPhen-2: "Probably Damaging"; Align-GVGD: "Class C0"). Algorithms developed to predict the effect of sequence changes on RNA splicing suggest that this variant may disrupt the consensus splice site. In summary, the available evidence is currently insufficient to determine the role of this variant in disease. Therefore, it has been classified as a Variant of Uncertain Significance.